The following is an entry in ClinVar:

ClinVar aggregate classification (germline): Uncertain significance. Review status: criteria provided, multiple submitters, no conflicts (2 of 4 stars). 2 submissions from 2 submitters: Uncertain significance (2). Last evaluated 2024-12-24.

Conditions:
TERT-related disorder. Also called: TERT-related condition; TERT-related disorders.
Idiopathic Pulmonary Fibrosis. Also called: Idiopathic fibrosing alveolitis, chronic form; idiopathic fibrosing alveolitis. Identifiers: Orphanet 2032, MedGen C1800706, MeSH D054990, MONDO:0800504.
Dyskeratosis congenita, autosomal dominant 2. Identifiers: MedGen C3151443, MONDO:0013521, OMIM 613989.

Submissions (2):

3billion
Classification: Uncertain significance for TERT-related disorder. Last evaluated: 2024-12-24. Review status: criteria provided, single submitter. Criteria: ACMG Guidelines, 2015. Collection method: clinical testing. Allele origin: germline. Affected: yes.
Comment: The variant is not observed in the gnomAD v4.1.0 dataset. Predicted Consequence/Location: Missense variant In silico tool predictions suggest damaging effect of the variant on gene or gene product [3Cnet: 0.95 (>=0.6, sensitivity 0.72 and precision 0.9)]. The variant has been reported as of uncertain significance (PMID: 22664374). Different missense changes at the same codon have been reported as of uncertain significance (ClinVar ID: VCV002443278). Therefore, this variant is classified as VUS according to the recommendation of ACMG/AMP guideline.

Labcorp Genetics (formerly Invitae), Labcorp
Classification: Uncertain significance for Dyskeratosis congenita, autosomal dominant 2; Idiopathic Pulmonary Fibrosis. Last evaluated: 2024-12-04. Review status: criteria provided, single submitter. Criteria: Invitae Variant Classification Sherloc (09022015). Collection method: clinical testing. Allele origin: germline.
Comment: This sequence change replaces arginine, which is basic and polar, with glutamine, which is neutral and polar, at codon 698 of the TERT protein (p.Arg698Gln). This variant is not present in population databases (gnomAD no frequency). This missense change has been observed in individual(s) with dyskeratosis congenita and/or myelodysplastic syndrome (PMID: 22664374, 34019641). Invitae Evidence Modeling of protein sequence and biophysical properties (such as structural, functional, and spatial information, amino acid conservation, physicochemical variation, residue mobility, and thermodynamic stability) indicates that this missense variant is expected to disrupt TERT protein function with a positive predictive value of 95%. In summary, the available evidence is currently insufficient to determine the role of this variant in disease. Therefore, it has been classified as a Variant of Uncertain Significance.

Literature cited by the submitters: PubMed 22664374 (cited by Labcorp Genetics (formerly Invitae), Labcorp); PubMed 34019641 (cited by Labcorp Genetics (formerly Invitae), Labcorp).

NM_198253.3(TERT):c.2093G>A (p.Arg698Gln)

Gene: TERT (telomerase reverse transcriptase; minus strand). Cytogenetic location: 5p15.33.
Variant type: single nucleotide variant.
Coding change: c.2093G>A on transcript NM_198253.3 (MANE Select); coding-DNA position 2093, G replaced by A.
Protein change: p.Arg698Gln; replaces arginine 698 with glutamine.
Molecular consequence: missense variant. On other transcripts: non-coding transcript variant (2).
Genome position (GRCh38, 1-based): chr5:1,279,328, C>T on the plus strand (G>A on the coding strand, the complement: TERT is on the minus strand). VCF-style: chr5-1279328-C-T. GRCh37 (hg19) VCF-style: chr5-1279443-C-T.
Other names: c.2093G>A, p.Arg698Gln (NM_001193376.3); short protein forms R698Q.
Identifiers: ClinVar variation 3754501 (VCV003754501.3).